The following is an entry in ClinVar:

ClinVar aggregate classification (germline): Pathogenic/Likely pathogenic. Review status: criteria provided, multiple submitters, no conflicts (2 of 4 stars). 2 submissions from 2 submitters: Pathogenic (1); Likely pathogenic (1). Last evaluated 2024-10-01.

Conditions:
CFI-related disorder. Also called: CFI-related condition; CFI-related disorders. Identifiers: MedGen CN239325.

Submissions (2):

Labcorp Genetics (formerly Invitae), Labcorp
Classification: Pathogenic. Last evaluated: 2024-10-01. Review status: criteria provided, single submitter. Criteria: Invitae Variant Classification Sherloc (09022015). Collection method: clinical testing. Allele origin: germline.
Comment: This sequence change creates a premature translational stop signal (p.Asn103Lysfs*11) in the CFI gene. It is expected to result in an absent or disrupted protein product. Loss-of-function variants in CFI are known to be pathogenic (PMID: 15917334, 16621965, 19065647, 20016463, 22710145). This variant is not present in population databases (gnomAD no frequency). This variant has not been reported in the literature in individuals affected with CFI-related conditions. For these reasons, this variant has been classified as Pathogenic.

Blueprint Genetics
Classification: Likely pathogenic for CFI-related disorders. Last evaluated: 2020-06-08. Review status: criteria provided, single submitter. Criteria: ACMG Guidelines, 2015. Collection method: clinical testing. Allele origin: germline. Affected: yes. Observed: 2 variant alleles.

Literature cited by the submitters: PubMed 15917334 (cited by Labcorp Genetics (formerly Invitae), Labcorp); PubMed 16621965 (cited by Labcorp Genetics (formerly Invitae), Labcorp); PubMed 19065647 (cited by Labcorp Genetics (formerly Invitae), Labcorp); PubMed 20016463 (cited by Labcorp Genetics (formerly Invitae), Labcorp); PubMed 22710145 (cited by Labcorp Genetics (formerly Invitae), Labcorp).

NM_000204.5(CFI):c.308dup (p.Asn103fs)

Gene: CFI (complement factor I; minus strand). Cytogenetic location: 4q25.
Variant type: Duplication.
Coding change: c.308dup on transcript NM_000204.5 (MANE Select); coding-DNA position 308, one base duplicated (A; older notation c.308dupA).
Protein change: p.Asn103fs; shifts the reading frame from asparagine 103.
Molecular consequence: frameshift variant. On other transcripts: non-coding transcript variant (3), intron variant (1).
Genome position (GRCh38, 1-based): chr4:109,766,574, T duplicated on the plus strand (A on the coding strand, the reverse complement: CFI is on the minus strand); the first of 2 consecutive T bases (chr4:109,766,574-109,766,575); duplicating either gives the same sequence. VCF-style (leftmost placement, unchanged base first): chr4-109766573-G-GT. GRCh37 (hg19) VCF-style: chr4-110687729-G-GT.
Other names: c.308dup, p.Asn103fs (NM_001318057.2, NM_001331035.2, NM_001375278.1 and 5 more transcripts); c.-127-4882dup (NM_001375284.1); short protein forms N103fs.
Identifiers: ClinVar variation 3681538 (VCV003681538.3).
Genomic context (GRCh38, chr4:109,766,573, plus strand): 5'-TTTTATATCATAGAATGACTTGAAAACTAGTCTCTTGCTACCTTCGGCTGTGCATGTTCC[G>GT]TTATTTAAAAACTTTGTCCCTGGATGAAGACATTCCAAACTCTTTTGTTGACAGTATGTT-3'